The following is an entry in ClinVar:

NM_000053.4(ATP7B):c.3523A>C (p.Lys1175Gln)

Gene: ATP7B (ATPase copper transporting beta; minus strand). Cytogenetic location: 13q14.3.
Variant type: single nucleotide variant.
Coding change: c.3523A>C on transcript NM_000053.4 (MANE Select); coding-DNA position 3523, A replaced by C.
Protein change: p.Lys1175Gln; replaces lysine 1175 with glutamine.
Molecular consequence: missense variant.
Genome position (GRCh38, 1-based): chr13:51,941,114, T>G on the plus strand (A>C on the coding strand, the complement: ATP7B is on the minus strand). VCF-style: chr13-51941114-T-G. GRCh37 (hg19) VCF-style: chr13-52515250-T-G.
Other names: c.3379A>C, p.Lys1127Gln (NM_001406520.1, NM_001406521.1, NM_001406522.1); c.3340A>C, p.Lys1114Gln (NM_001406523.1); c.3346A>C, p.Lys1116Gln (NM_001406524.1); c.3328A>C, p.Lys1110Gln (NM_001406525.1); c.3523A>C, p.Lys1175Gln (NM_001406526.1, NM_001406511.1, NM_001406512.1); c.3289A>C, p.Lys1097Gln (NM_001406527.1, NM_001406528.1, NM_001330578.2); c.3283A>C, p.Lys1095Gln (NM_001406530.1); c.3271A>C, p.Lys1091Gln (NM_001406531.1, NM_001406532.1, NM_001330579.2); and 18 more; short protein forms K1013Q, K1026Q, K1032Q, K1062Q, K1064Q, K1065Q, K1079Q, K1091Q.
Identifiers: ClinVar variation 1715870 (VCV001715870.5), dbSNP rs995516204, ClinGen allele CA250077167.

ClinVar aggregate classification (germline): Uncertain significance (1 of 4 stars; one submission).

Conditions:
Wilson disease (WND). Also called: Wilson's disease. Identifiers: Orphanet 905, MedGen C0019202, MONDO:0010200, OMIM 277900. Disease mechanism: loss of function.

Submission:

Labcorp Genetics (formerly Invitae), Labcorp
Classification: Uncertain significance for Wilson disease. Last evaluated: 2022-08-09. Review status: criteria provided, single submitter. Criteria: Invitae Variant Classification Sherloc (09022015). Collection method: clinical testing. Allele origin: germline.
Comment: In summary, the available evidence is currently insufficient to determine the role of this variant in disease. Therefore, it has been classified as a Variant of Uncertain Significance. Advanced modeling of protein sequence and biophysical properties (such as structural, functional, and spatial information, amino acid conservation, physicochemical variation, residue mobility, and thermodynamic stability) performed at Invitae indicates that this missense variant is not expected to disrupt ATP7B protein function. This variant has not been reported in the literature in individuals affected with ATP7B-related conditions. This variant is not present in population databases (gnomAD no frequency). This sequence change replaces lysine, which is basic and polar, with glutamine, which is neutral and polar, at codon 1175 of the ATP7B protein (p.Lys1175Gln).